The following is an entry in ClinVar:

NM_001843.4(CNTN1):c.1683+121G>A

Gene: CNTN1 (contactin 1; plus strand). Cytogenetic location: 12q12.
Variant type: single nucleotide variant.
Coding change: c.1683+121G>A on transcript NM_001843.4 (MANE Select); 121 bases into the intron after coding-DNA position 1683, G replaced by A.
Molecular consequence: intron variant.
Genome position (GRCh38, 1-based): chr12:40,944,291, G>A. VCF-style: chr12-40944291-G-A. GRCh37 (hg19) VCF-style: chr12-41338093-G-A.
Other names: c.1683+121G>A (NM_001256063.2, NM_001256064.2); c.1650+121G>A (NM_175038.2).
Identifiers: ClinVar variation 679159 (VCV000679159.1), dbSNP rs10879390, ClinGen allele CA235406601.

ClinVar aggregate classification (germline): Benign (1 of 4 stars; one submission).

Allele frequency attached by ClinVar (database versions not stated): 1000 Genomes Project 0.08506; 1000 Genomes Project 30x 0.08745; TOPMed 0.11498; gnomAD 0.11706 and 0.11978.
gnomAD v4.1: 105,706 of 907,498 alleles (12%); highest among the groups gnomAD compares: Non-Finnish European, 12%; 6,359 homozygotes.

Submission:

GeneDx
Classification: Benign. Last evaluated: 2018-06-16. Review status: criteria provided, single submitter. Criteria: GeneDx Variant Classification (06012015). Collection method: clinical testing. Allele origin: germline. Affected: yes.
Comment: This variant is considered likely benign or benign based on one or more of the following criteria: it is a conservative change, it occurs at a poorly conserved position in the protein, it is predicted to be benign by multiple in silico algorithms, and/or has population frequency not consistent with disease.